The following is an entry in ClinVar:

NM_004336.5(BUB1):c.3088G>C (p.Glu1030Gln)

Gene: BUB1 (BUB1 mitotic checkpoint serine/threonine kinase; minus strand). Cytogenetic location: 2q13.
Variant type: single nucleotide variant.
Coding change: c.3088G>C on transcript NM_004336.5 (MANE Select); coding-DNA position 3088, G replaced by C.
Protein change: p.Glu1030Gln; replaces glutamic acid 1030 with glutamine.
Molecular consequence: missense variant.
Genome position (GRCh38, 1-based): chr2:110,638,134, C>G on the plus strand (G>C on the coding strand, the complement: BUB1 is on the minus strand). VCF-style: chr2-110638134-C-G. GRCh37 (hg19) VCF-style: chr2-111395711-C-G.
Other names: c.3028G>C, p.Glu1010Gln (NM_001278616.2); c.2917G>C, p.Glu973Gln (NM_001278617.2); short protein forms E1010Q, E1030Q, E973Q.
Identifiers: ClinVar variation 3224083 (VCV003224083.1), dbSNP rs2467963612, ClinGen allele CA348088583.

ClinVar aggregate classification (germline): Uncertain significance (1 of 4 stars; one submission).

Submission:

Ambry Genetics
Classification: Uncertain significance. Last evaluated: 2023-12-29. Review status: criteria provided, single submitter. Criteria: Ambry Variant Classification Scheme 2023. Collection method: clinical testing. Allele origin: germline.
Comment: The p.E1030Q variant (also known as c.3088G>C), located in coding exon 25 of the BUB1 gene, results from a G to C substitution at nucleotide position 3088. The glutamic acid at codon 1030 is replaced by glutamine, an amino acid with highly similar properties. This amino acid position is conserved. In addition, this alteration is predicted to be tolerated by in silico analysis. Since supporting evidence is limited at this time, the clinical significance of this alteration remains unclear.